The following is an entry in ClinVar:

NM_001379286.1(ZNF423):c.2933C>T (p.Ser978Leu)

Gene: ZNF423 (zinc finger protein 423; minus strand). Cytogenetic location: 16q12.1.
Variant type: single nucleotide variant.
Coding change: c.2933C>T on transcript NM_001379286.1 (MANE Select); coding-DNA position 2933, C replaced by T.
Protein change: p.Ser978Leu; replaces serine 978 with leucine.
Molecular consequence: missense variant.
Genome position (GRCh38, 1-based): chr16:49,636,243, G>A on the plus strand (C>T on the coding strand, the complement: ZNF423 is on the minus strand). VCF-style: chr16-49636243-G-A. GRCh37 (hg19) VCF-style: chr16-49670154-G-A.
Other names: c.2729C>T, p.Ser910Leu (NM_001271620.2); c.2558C>T, p.Ser853Leu (NM_001330533.2); c.2909C>T, p.Ser970Leu (NM_015069.5); short protein forms S910L, S970L, S853L, S978L.
Identifiers: ClinVar variation 197815 (VCV000197815.9), dbSNP rs794727731, ClinGen allele CA246158.

ClinVar aggregate classification (germline): Uncertain significance. Review status: criteria provided, multiple submitters, no conflicts (2 of 4 stars). 2 submissions from 2 submitters: Uncertain significance (2). Last evaluated 2022-08-06.

Conditions:
Nephronophthisis 14 (NPHP14). Identifiers: Orphanet 2318, MedGen C3539071, MONDO:0013916, OMIM 614844.

Allele frequency attached by ClinVar (database versions not stated): gnomAD exomes below 0.00001; TOPMed 0.00001.

Submissions (2):

Labcorp Genetics (formerly Invitae), Labcorp
Classification: Uncertain significance for Nephronophthisis 14. Last evaluated: 2022-08-06. Review status: criteria provided, single submitter. Criteria: Invitae Variant Classification Sherloc (09022015). Collection method: clinical testing. Allele origin: germline.
Comment: In summary, the available evidence is currently insufficient to determine the role of this variant in disease. Therefore, it has been classified as a Variant of Uncertain Significance. Algorithms developed to predict the effect of missense changes on protein structure and function are either unavailable or do not agree on the potential impact of this missense change (SIFT: "Deleterious"; PolyPhen-2: "Probably Damaging"; Align-GVGD: "Class C0"). ClinVar contains an entry for this variant (Variation ID: 197815). This variant has not been reported in the literature in individuals affected with ZNF423-related conditions. This variant is present in population databases (rs794727731, gnomAD 0.003%). This sequence change replaces serine, which is neutral and polar, with leucine, which is neutral and non-polar, at codon 970 of the ZNF423 protein (p.Ser970Leu).

Eurofins Ntd Llc (ga)
Classification: Uncertain significance. Last evaluated: 2014-06-12. Review status: criteria provided, single submitter. Criteria: EGL Classification Definitions 2015. Collection method: clinical testing. Allele origin: germline. Observed: 1 variant allele, 1 heterozygote.